The following is an entry in ClinVar:

ClinVar aggregate classification (germline): Uncertain significance (1 of 4 stars; one submission).

Conditions:
SEMA3G-related disorder. Also called: SEMA3G-related condition.

Submission:

PreventionGenetics, part of Exact Sciences
Classification: Uncertain significance for SEMA3G-related condition. Last evaluated: 2025-07-30. Review status: criteria provided, single submitter. Criteria: ACMG Guidelines, 2015. Collection method: clinical testing. Allele origin: germline.
Comment: The SEMA3G c.1582G>A variant is predicted to result in the amino acid substitution p.Ala528Thr. To our knowledge, this variant has not been reported in the literature or in a large population database (gnomAD), indicating this variant is rare. At this time, the clinical significance of this variant is uncertain due to the absence of conclusive functional and genetic evidence.

NM_020163.3(SEMA3G):c.1582G>A (p.Ala528Thr)

Gene: SEMA3G (semaphorin 3G; minus strand). Cytogenetic location: 3p21.1.
Variant type: single nucleotide variant.
Coding change: c.1582G>A on transcript NM_020163.3 (MANE Select); coding-DNA position 1582, G replaced by A.
Protein change: p.Ala528Thr; replaces alanine 528 with threonine.
Molecular consequence: missense variant.
Genome position (GRCh38, 1-based): chr3:52,438,127, C>T on the plus strand (G>A on the coding strand, the complement: SEMA3G is on the minus strand). VCF-style: chr3-52438127-C-T. GRCh37 (hg19) VCF-style: chr3-52472143-C-T.
Other names: short protein forms A528T.
Identifiers: ClinVar variation 5002399 (VCV005002399.1).